The following is an entry in ClinVar:

ClinVar aggregate classification (germline): Conflicting classifications of pathogenicity. Review status: criteria provided, conflicting classifications (1 of 4 stars). 4 submissions from 4 submitters: Uncertain significance (1); Benign (1); Likely benign (2). Last evaluated 2025-11-14.

Conditions:
Microcephaly, seizures, and developmental delay. Identifiers: Orphanet 1934, MedGen C3150667, MONDO:0013254, OMIM 613402.
Developmental and epileptic encephalopathy, 12 (DEE12). Identifiers: MedGen C3150988, MONDO:0013389, OMIM 613722.

Allele frequency attached by ClinVar (database versions not stated): gnomAD 0.00006 and 0.00008; gnomAD exomes 0.00006 and 0.00026; TOPMed 0.00014; ExAC 0.00023; 1000 Genomes Project 30x 0.00031; 1000 Genomes Project 0.00040.
gnomAD v4.1: 103 of 1,595,104 alleles (0.0065%); highest among the groups gnomAD compares: East Asian, 0.22%; no homozygotes.

Submissions (4):

Labcorp Genetics (formerly Invitae), Labcorp
Classification: Benign for Developmental and epileptic encephalopathy, 12. Last evaluated: 2025-11-14. Review status: criteria provided, single submitter. Criteria: Invitae Variant Classification Sherloc (09022015). Collection method: clinical testing. Allele origin: germline.

Blueprint Genetics
Classification: Likely benign. Last evaluated: 2023-03-13. Review status: criteria provided, single submitter. Criteria: ACMG Guidelines, 2015. Collection method: clinical testing. Allele origin: germline.

Illumina Laboratory Services, Illumina
Classification: Uncertain significance for Microcephaly, seizures, and developmental delay. Last evaluated: 2018-01-12. Review status: criteria provided, single submitter. Criteria: ICSL Variant Classification Criteria 13 December 2019. Collection method: clinical testing. Allele origin: germline.

GeneDx
Classification: Likely benign. Last evaluated: 2017-11-28. Review status: criteria provided, single submitter. Criteria: GeneDx Variant Classification (06012015). Collection method: clinical testing. Allele origin: germline. Affected: yes.
Comment: This variant is considered likely benign or benign based on one or more of the following criteria: it is a conservative change, it occurs at a poorly conserved position in the protein, it is predicted to be benign by multiple in silico algorithms, and/or has population frequency not consistent with disease.

NM_007254.4(PNKP):c.1387-11G>A

Gene: PNKP (polynucleotide kinase 3'-phosphatase; minus strand). Cytogenetic location: 19q13.33.
Variant type: single nucleotide variant.
Coding change: c.1387-11G>A on transcript NM_007254.4 (MANE Select); 11 bases into the intron before coding-DNA position 1387, G replaced by A.
Molecular consequence: intron variant.
Genome position (GRCh38, 1-based): chr19:49,861,521, C>T on the plus strand (G>A on the coding strand, the complement: PNKP is on the minus strand). VCF-style: chr19-49861521-C-T. GRCh37 (hg19) VCF-style: chr19-50364778-C-T.
Identifiers: ClinVar variation 329892 (VCV000329892.13), dbSNP rs200785744, ClinGen allele CA9586397.